The following is an entry in ClinVar:

NM_032861.4(SERAC1):c.1738A>T (p.Lys580Ter)

Gene: SERAC1 (serine active site containing 1; minus strand). Cytogenetic location: 6q25.3.
Variant type: single nucleotide variant.
Coding change: c.1738A>T on transcript NM_032861.4 (MANE Select); coding-DNA position 1738, A replaced by T.
Protein change: p.Lys580Ter; replaces lysine 580 with a stop codon.
Molecular consequence: nonsense.
Genome position (GRCh38, 1-based): chr6:158,113,539, T>A on the plus strand (A>T on the coding strand, the complement: SERAC1 is on the minus strand). VCF-style: chr6-158113539-T-A. GRCh37 (hg19) VCF-style: chr6-158534571-T-A.
Other names: short protein forms K580*.
Identifiers: ClinVar variation 5006990 (VCV005006990.2).
Genomic context (GRCh38, chr6:158,113,539, plus strand): 5'-TAATCATGCTGCCAATGTAGGTTGGTAGTGTTTCCACAAAATTCAGCACCTGGAAGTTTT[T>A]GTCTTTAGCAAACTCCAGAAAGTCATCTTGTAGTGTTTTAAGTGCAGGAGAATCTGTAAA-3'

ClinVar aggregate classification (germline): Likely pathogenic (1 of 4 stars; one submission).

Conditions:
3-methylglutaconic aciduria with deafness, encephalopathy, and Leigh-like syndrome (MEGDEL). Also called: MEGDEL syndrome; 3-METHYLGLUTACONIC ACIDURIA, TYPE VI; SERAC1 Deficiency. Identifiers: Orphanet 352328, MedGen C4040739, MONDO:0013875, OMIM 614739.

Submission:

Juno Genomics, Hangzhou Juno Genomics, Inc
Classification: Likely pathogenic for 3-methylglutaconic aciduria with deafness, encephalopathy, and Leigh-like syndrome. Review status: criteria provided, single submitter. Criteria: ACMG Guidelines, 2015. Collection method: clinical testing. Allele origin: germline.
Comment: Null variant in a gene where loss of function (LOF) is a known mechanism of disease.;Absent from controls (or at extremely low frequency if recessive) in Genome Aggregation Database.